The following is an entry in ClinVar:

ClinVar aggregate classification (germline): Uncertain significance. Review status: criteria provided, multiple submitters, no conflicts (2 of 4 stars). 3 submissions from 3 submitters: Uncertain significance (3). Last evaluated 2025-10-01.

Conditions:
Cardiovascular phenotype. Identifiers: MedGen CN230736.
Autosomal recessive limb-girdle muscular dystrophy type 2J (LGMDR10). Also called: Limb-girdle muscular dystrophy, type 2J; MUSCULAR DYSTROPHY, LIMB-GIRDLE, AUTOSOMAL RECESSIVE 10. Identifiers: Orphanet 140922, MedGen C1837342, MONDO:0012127, OMIM 608807.
Dilated cardiomyopathy 1G (CMD1G). Identifiers: Orphanet 154, MedGen C1858763, MONDO:0011400, OMIM 604145.
TTN-related disorder. Also called: TTN-related condition; TTN-related disease; TTN-related disorders.

Allele frequency attached by ClinVar (database versions not stated): gnomAD 0.00001; gnomAD exomes 0.00001; TOPMed 0.00002.
gnomAD v4.1: 10 of 1,613,186 alleles (0.00062%); highest among the groups gnomAD compares: African/African-American, 0.004%; no homozygotes.

Submissions (3):

PreventionGenetics, part of Exact Sciences
Classification: Uncertain significance for TTN-related condition. Last evaluated: 2025-10-01. Review status: criteria provided, single submitter. Criteria: ACMG Guidelines, 2015. Collection method: clinical testing. Allele origin: germline.
Comment: The TTN c.62897G>A variant is predicted to result in the amino acid substitution p.Arg20966His. This variant has been reported in an individual with dilated cardiomyopathy (Table S3, Mazzarotto et al. 2020. PubMed ID: 31983221). This variant is reported in 0.013% of alleles in individuals of African descent in gnomAD. At this time, the clinical significance of this variant is uncertain due to the absence of conclusive functional and genetic evidence.

Ambry Genetics
Classification: Uncertain significance for Cardiovascular phenotype. Last evaluated: 2020-01-31. Review status: criteria provided, single submitter. Criteria: Ambry Variant Classification Scheme 2023. Collection method: clinical testing. Allele origin: germline.
Comment: The p.R11901H variant (also known as c.35702G>A), located in coding exon 131 of the TTN gene, results from a G to A substitution at nucleotide position 35702. The arginine at codon 11901 is replaced by histidine, an amino acid with highly similar properties. This amino acid position is not well conserved in available vertebrate species. In addition, this alteration is predicted to be tolerated by in silico analysis. Since supporting evidence is limited at this time, the clinical significance of this alteration remains unclear.

Labcorp Genetics (formerly Invitae), Labcorp
Classification: Uncertain significance for Dilated cardiomyopathy 1G; Autosomal recessive limb-girdle muscular dystrophy type 2J. Last evaluated: 2017-05-23. Review status: criteria provided, single submitter. Criteria: Invitae Variant Classification Sherloc (09022015). Collection method: clinical testing. Allele origin: germline.

NM_001267550.2(TTN):c.62897G>A (p.Arg20966His)

Genes: TTN (titin; minus strand), TTN-AS1 (TTN antisense RNA 1; plus strand). Cytogenetic location: 2q31.2.
Variant type: single nucleotide variant.
Coding change: c.62897G>A on transcript NM_001267550.2 (MANE Select); coding-DNA position 62897, G replaced by A.
Protein change: p.Arg20966His; replaces arginine 20966 with histidine.
Molecular consequence: missense variant.
Genome position (GRCh38, 1-based): chr2:178,588,828, C>T on the plus strand (G>A on the coding strand, the complement: TTN is on the minus strand). VCF-style: chr2-178588828-C-T. GRCh37 (hg19) VCF-style: chr2-179453555-C-T.
Other names: c.57974G>A, p.Arg19325His (NM_001256850.1); c.35702G>A, p.Arg11901His (NM_003319.4); c.55193G>A, p.Arg18398His (NM_133378.4); c.36077G>A, p.Arg12026His (NM_133432.3); c.36278G>A, p.Arg12093His (NM_133437.4); short protein forms R20966H, R19325H, R12026H, R11901H, R12093H, R18398H.
Identifiers: ClinVar variation 467355 (VCV000467355.6), dbSNP rs1174185176, ClinGen allele CA349459269.